The following is an entry in ClinVar:

NM_201384.3(PLEC):c.11667G>A (p.Arg3889=)

Gene: PLEC (plectin; minus strand). Cytogenetic location: 8q24.3.
Variant type: single nucleotide variant.
Coding change: c.11667G>A on transcript NM_201384.3 (MANE Select); coding-DNA position 11667, G replaced by A.
Protein change: p.Arg3889=; no amino-acid change (arginine 3889 retained).
Molecular consequence: synonymous variant.
Genome position (GRCh38, 1-based): chr8:143,918,154, C>T on the plus strand (G>A on the coding strand, the complement: PLEC is on the minus strand). VCF-style: chr8-143918154-C-T. GRCh37 (hg19) VCF-style: chr8-144992322-C-T.
Other names: c.11748G>A (NM_000445.4); c.11748G>A, p.Arg3916= (NM_000445.5); c.11625G>A, p.Arg3875= (NM_201378.4); c.11601G>A, p.Arg3867= (NM_201379.3); c.12078G>A, p.Arg4026= (NM_201380.4); c.11571G>A, p.Arg3857= (NM_201381.3); c.11667G>A, p.Arg3889= (NM_201382.4); c.11679G>A, p.Arg3893= (NM_201383.3).
Identifiers: ClinVar variation 1544014 (VCV001544014.9), dbSNP rs782801654, ClinGen allele CA4924275.

ClinVar aggregate classification (germline): Likely benign. Review status: criteria provided, single submitter (1 of 4 stars). 2 submissions from 2 submitters: Likely benign (1). 1 of the submissions does not count toward it. Last evaluated 2024-01-03.

Conditions:
PLEC-related disorder. Also called: PLEC-related disorders; PLEC-related condition.
Epidermolysis bullosa simplex, Ogna type (EBS5A). Also called: Pidermolysis bullosa simplex 5A, Ogna type; EPIDERMOLYSIS BULLOSA SIMPLEX 5A, OGNA TYPE. Identifiers: Orphanet 79401, MedGen C0432317, MONDO:0007555, OMIM 131950.
Epidermolysis bullosa simplex with nail dystrophy (EBS5D). Identifiers: MedGen C4225309, MONDO:0014661, OMIM 616487.
Autosomal recessive limb-girdle muscular dystrophy type 2Q (LGMDR17). Also called: MUSCULAR DYSTROPHY, LIMB-GIRDLE, AUTOSOMAL RECESSIVE 17. Identifiers: Orphanet 254361, MedGen C3150989, MONDO:0013390, OMIM 613723.
Epidermolysis bullosa simplex 5B, with muscular dystrophy (EBS5B). Also called: Epidermolysis bullosa simplex with muscular dystrophy; EPIDERMOLYSIS BULLOSA SIMPLEX AND LIMB-GIRDLE MUSCULAR DYSTROPHY. Identifiers: Orphanet 257, MedGen C2931072, MONDO:0009181, OMIM 226670.
Epidermolysis bullosa simplex 5C, with pyloric atresia (EBS5C). Also called: PLEC-Related Epidermolysis Bullosa with Pyloric Atresia; Epidermolysis bullosa simplex with pyloric atresia; PLEC1-Related Epidermolysis Bullosa with Pyloric Atresia. Identifiers: Orphanet 158684, MedGen C2677349, MONDO:0012807, OMIM 612138.

Allele frequency attached by ClinVar (database versions not stated): gnomAD exomes below 0.00001 and 0.00002; ExAC 0.00002; gnomAD 0.00006; TOPMed 0.00012.

Submissions (2):

Labcorp Genetics (formerly Invitae), Labcorp
Classification: Likely benign for Autosomal recessive limb-girdle muscular dystrophy type 2Q; Epidermolysis bullosa simplex, Ogna type; Epidermolysis bullosa simplex with nail dystrophy; Epidermolysis bullosa simplex 5C, with pyloric atresia; Epidermolysis bullosa simplex 5B, with muscular dystrophy. Last evaluated: 2024-01-03. Review status: criteria provided, single submitter. Criteria: Invitae Variant Classification Sherloc (09022015). Collection method: clinical testing. Allele origin: germline.

PreventionGenetics, part of Exact Sciences
Classification: Likely benign for PLEC-related condition. Last evaluated: 2019-02-21. Review status: no assertion criteria provided. Collection method: clinical testing. Allele origin: germline. Not counted in ClinVar's aggregate classification.
Comment: This variant is classified as likely benign based on ACMG/AMP sequence variant interpretation guidelines (Richards et al. 2015 PMID: 25741868, with internal and published modifications).